The following is an entry in ClinVar:

ClinVar aggregate classification (germline): Uncertain significance (1 of 4 stars; one submission).

Allele frequency attached by ClinVar (database versions not stated): gnomAD exomes below 0.00001; gnomAD 0.00001.
gnomAD v4.1: 2 of 1,609,406 alleles (0.00012%); highest among the groups gnomAD compares: Non-Finnish European, 0.00017%; no homozygotes.

Submission:

Labcorp Genetics (formerly Invitae), Labcorp
Classification: Uncertain significance. Last evaluated: 2022-05-05. Review status: criteria provided, single submitter. Criteria: Invitae Variant Classification Sherloc (09022015). Collection method: clinical testing. Allele origin: germline.
Comment: In summary, the available evidence is currently insufficient to determine the role of this variant in disease. Therefore, it has been classified as a Variant of Uncertain Significance. Algorithms developed to predict the effect of missense changes on protein structure and function (SIFT, PolyPhen-2, Align-GVGD) all suggest that this variant is likely to be tolerated. This variant has not been reported in the literature in individuals affected with SAR1B-related conditions. This variant is not present in population databases (gnomAD no frequency). This sequence change replaces lysine, which is basic and polar, with glutamine, which is neutral and polar, at codon 166 of the SAR1B protein (p.Lys166Gln).

NM_016103.4(SAR1B):c.496A>C (p.Lys166Gln)

Gene: SAR1B (secretion associated Ras related GTPase 1B; minus strand). Cytogenetic location: 5q31.1.
Variant type: single nucleotide variant.
Coding change: c.496A>C on transcript NM_016103.4 (MANE Select); coding-DNA position 496, A replaced by C.
Protein change: p.Lys166Gln; replaces lysine 166 with glutamine.
Molecular consequence: missense variant.
Genome position (GRCh38, 1-based): chr5:134,607,051, T>G on the plus strand (A>C on the coding strand, the complement: SAR1B is on the minus strand). VCF-style: chr5-134607051-T-G. GRCh37 (hg19) VCF-style: chr5-133942741-T-G.
Other names: c.496A>C, p.Lys166Gln (NM_001033503.3); short protein forms K166Q.
Identifiers: ClinVar variation 2133018 (VCV002133018.4), dbSNP rs1765140597, ClinGen allele CA360999715.
Genomic context (GRCh38, chr5:134,607,051, plus strand): 5'-AACCTTGTCTTTTGAGCACACTACACATGAAAACTTCTAAGGGTCGGGCATTCAGTTCTT[T>G]CAGAGATATACTCCCCTAGAATAGAAGAGAGACATTTCGTTGGAATTTTATAAAATTAAT-3'
Protein context (NP_057187.1, residues 156-176): QTTGKGSISL[Lys166Gln]ELNARPLEVF